The following is an entry in ClinVar:

ClinVar aggregate classification (germline): Uncertain significance. Review status: criteria provided, multiple submitters, no conflicts (2 of 4 stars). 2 submissions from 2 submitters: Uncertain significance (2). Last evaluated 2026-08-04.

Conditions:
Inborn genetic diseases. Identifiers: MedGen C0950123, MeSH D030342.
Charcot-Marie-Tooth disease axonal type 2P. Also called: CHARCOT-MARIE-TOOTH NEUROPATHY, TYPE 2P; Charcot-Marie-Tooth Neuropathy Type 2G; CHARCOT-MARIE-TOOTH DISEASE, AXONAL, TYPE 2G; CMT 2G. Identifiers: Orphanet 300319, Orphanet 99941, MedGen C3280797, MONDO:0013753, OMIM 614436.

Allele frequency attached by ClinVar (database versions not stated): TOPMed 0.00001.
gnomAD v4.1: 3 of 1,613,930 alleles (0.00019%); highest among the groups gnomAD compares: Non-Finnish European, 0.00025%; no homozygotes.

Submissions (2):

Ambry Genetics
Classification: Uncertain significance for Inborn genetic diseases. Last evaluated: 2026-08-04. Review status: criteria provided, single submitter. Criteria: Ambry Variant Classification Scheme 2023. Collection method: clinical testing. Allele origin: germline.

Labcorp Genetics (formerly Invitae), Labcorp
Classification: Uncertain significance for Charcot-Marie-Tooth disease axonal type 2P. Last evaluated: 2018-02-20. Review status: criteria provided, single submitter. Criteria: Invitae Variant Classification Sherloc (09022015). Collection method: clinical testing. Allele origin: germline.
Comment: In summary, the available evidence is currently insufficient to determine the role of this variant in disease. Therefore, it has been classified as a Variant of Uncertain Significance. Algorithms developed to predict the effect of missense changes on protein structure and function (SIFT, PolyPhen-2, Align-GVGD) all suggest that this variant is likely to be tolerated, but these predictions have not been confirmed by published functional studies and their clinical significance is uncertain. This variant has not been reported in the literature in individuals with LRSAM1-related disease. This variant is not present in population databases (ExAC no frequency). This sequence change replaces proline with serine at codon 655 of the LRSAM1 protein (p.Pro655Ser). The proline residue is weakly conserved and there is a moderate physicochemical difference between proline and serine.

NM_001005373.4(LRSAM1):c.1963C>T (p.Pro655Ser)

Gene: LRSAM1 (leucine rich repeat and sterile alpha motif containing 1; plus strand). Cytogenetic location: 9q34.11.
Variant type: single nucleotide variant.
Coding change: c.1963C>T on transcript NM_001005373.4 (MANE Select); coding-DNA position 1963, C replaced by T.
Protein change: p.Pro655Ser; replaces proline 655 with serine.
Molecular consequence: missense variant. On other transcripts: non-coding transcript variant (2).
Genome position (GRCh38, 1-based): chr9:127,501,060, C>T. VCF-style: chr9-127501060-C-T. GRCh37 (hg19) VCF-style: chr9-130263339-C-T.
Other names: c.1963C>T, p.Pro655Ser (NM_001005374.4, NM_001384142.1, NM_138361.5); c.1882C>T, p.Pro628Ser (NM_001190723.3); c.1864C>T, p.Pro622Ser (NM_001384143.1); c.1174C>T, p.Pro392Ser (NM_001384144.1); c.1963C>T (NM_138361.4); short protein forms P655S, P628S, P392S, P622S.
Identifiers: ClinVar variation 583247 (VCV000583247.9), dbSNP rs1291622809, ClinGen allele CA374938214.
Genomic context (GRCh38, chr9:127,501,060, plus strand): 5'-GTCCCCACAGAGCTGAAACCACCAATGGGTGAGGTCGTCACCCCTACGGCCCCCCAGGAG[C>T]CTCCTGAGTCTGTGAGGCCATCCGCTCCCCCTGCAGAGCTGGAGGTGCAGGCCTCAGAGT-3'
Protein context (NP_001005373.1, residues 645-665): EVVTPTAPQE[Pro655Ser]PESVRPSAPP